The following is an entry in ClinVar:

NM_198253.3(TERT):c.2052C>T (p.Asp684=)

Gene: TERT (telomerase reverse transcriptase; minus strand). Cytogenetic location: 5p15.33.
Variant type: single nucleotide variant.
Coding change: c.2052C>T on transcript NM_198253.3 (MANE Select); coding-DNA position 2052, C replaced by T.
Protein change: p.Asp684=; no amino-acid change (aspartic acid 684 retained).
Molecular consequence: synonymous variant. On other transcripts: non-coding transcript variant (2).
Genome position (GRCh38, 1-based): chr5:1,279,369, G>A on the plus strand (C>T on the coding strand, the complement: TERT is on the minus strand). VCF-style: chr5-1279369-G-A. GRCh37 (hg19) VCF-style: chr5-1279484-G-A.
Other names: c.2052C>T, p.Asp684= (NM_001193376.3).
Identifiers: ClinVar variation 471848 (VCV000471848.66), dbSNP rs768948796, ClinGen allele CA3184680.

ClinVar aggregate classification (germline): Likely benign. Review status: criteria provided, multiple submitters, no conflicts (2 of 4 stars). 4 submissions from 4 submitters: Likely benign (4). Last evaluated 2025-08-25.

Conditions:
Idiopathic Pulmonary Fibrosis. Also called: Idiopathic fibrosing alveolitis, chronic form; idiopathic fibrosing alveolitis. Identifiers: Orphanet 2032, MedGen C1800706, MeSH D054990, MONDO:0800504.
Dyskeratosis congenita, autosomal dominant 2. Identifiers: MedGen C3151443, MONDO:0013521, OMIM 613989.
Dyskeratosis congenita. Identifiers: Orphanet 1775, MedGen C0265965, MONDO:0015780.

Allele frequency attached by ClinVar (database versions not stated): TOPMed 0.00002; gnomAD 0.00003; gnomAD exomes 0.00003; ExAC 0.00004.
gnomAD v4.1: 45 of 1,568,948 alleles (0.0029%); highest among the groups gnomAD compares: Middle Eastern, 0.021%; no homozygotes.

Submissions (4):

Labcorp Genetics (formerly Invitae), Labcorp
Classification: Likely benign for Dyskeratosis congenita, autosomal dominant 2; Idiopathic Pulmonary Fibrosis. Last evaluated: 2025-08-25. Review status: criteria provided, single submitter. Criteria: Invitae Variant Classification Sherloc (09022015). Collection method: clinical testing. Allele origin: germline.

CeGaT Center for Human Genetics Tuebingen
Classification: Likely benign. Last evaluated: 2024-11-01. Review status: criteria provided, single submitter. Criteria: CeGaT Center For Human Genetics Tuebingen Variant Classification Criteria Version 2. Collection method: clinical testing. Allele origin: germline. Affected: yes. Observed: 1 variant allele.
Comment: TERT: BP4, BP7

Ambry Genetics
Classification: Likely benign for Dyskeratosis congenita. Last evaluated: 2022-03-11. Review status: criteria provided, single submitter. Criteria: Ambry Variant Classification Scheme 2023. Collection method: clinical testing. Allele origin: germline.

Breakthrough Genomics
Classification: Likely benign. Review status: criteria provided, single submitter. Criteria: ACMG Guidelines, 2015. Collection method: not provided. Allele origin: germline. Inheritance: Autosomal recessive inheritance. Affected: yes.